The following is an entry in ClinVar:

NM_022834.5(VWA1):c.1322_*21del (p.Ala441fs)

Gene: VWA1 (von Willebrand factor A domain containing 1; plus strand). Cytogenetic location: 1p36.33.
Variant type: Deletion.
Coding change: c.1322_*21del on transcript NM_022834.5 (MANE Select); coding-DNA position 1322 through 21 bases downstream of the stop codon, 38 bases deleted.
Protein change: p.Ala441fs; shifts the reading frame from alanine 441.
Molecular consequence: frameshift variant. On other transcripts: 3 prime UTR variant (1).
Genome position (GRCh38, 1-based): chr1:1,439,771-1,439,808, 38 bases deleted; deleting any 38 consecutive bases within chr1:1,439,768-1,439,808 gives the same sequence; the c. name uses the placement nearest the transcript's 3' end. GRCh37 (hg19): chr1:1,375,151-1,375,188.
Other names: c.*732_*769del (NM_199121.3); short protein forms A441fs.
Identifiers: ClinVar variation 4880826 (VCV004880826.2).
Genomic context (GRCh38, chr1:1,439,767, plus strand): 5'-TGCACGCCCGACGGCCCGCGCCCGCGCCCACGCCCCGTGCCCCGCGCCCCGACCCCGGGG[ACCGCCAGCCGTGAGCCGTAAGCCGGCGTCCCCGCCCAG>A]CCGAGAGGGCCGGCGCCTACCTGAGGGCCCCTGTGTCCCGAACCCGGAGCGGAGGCGCCC-3'

ClinVar aggregate classification (germline): Likely pathogenic (1 of 4 stars; one submission).

Submission:

Dasa
Classification: Likely pathogenic. Last evaluated: 2024-10-28. Review status: criteria provided, single submitter. Criteria: DASA Assertion Criteria. Collection method: clinical testing. Allele origin: germline.
Comment: NM_022834.5(VWA1):c.1322_*21del (p.Ala441delinsGluArgAlaGlyAlaTyrLeuArgAlaProValSerArgThrArgSerGlyGlyAlaGlnProGlyArgArgValGlnAlaArgProPheProThrArgThrProArgAspProGlyProLeuProAlaAlaAlaGlyLeuProArgLeuAlaProAlaLeuGlnGlyTrpGlyLeuAlaTrpArgAspProAlaAlaAlaProAlaProSerProProArgAlaGlyArgArgValGlyProTrpValIleIleGluSerValArgProArgThrValGlnGlyGlyAlaProValArgLeuProArgValLysThrGlyProGlnValAlaArgAlaGlyLeuGlyArgAlaAlaTrpValLeuAspValAspArgLysArgLysGlyAsnArgGlyLysLeuAlaGlnValArgSerAlaLysAlaSerGluGluGluGluGlyArgValGlyAlaProGlyArg*) is a nonsense variant in VWA1 predicted to introduce a premature termination codon. This variant has been observed in affected individuals with VWA1-related disorders. Also, this variant is absent from population databases. Based on the currently available evidence, this variant is classified as likely pathogenic.